The following is an entry in ClinVar:

ClinVar aggregate classification (germline): Uncertain significance (1 of 4 stars; one submission).

gnomAD v4.1: 23 of 1,507,308 alleles (0.0015%); highest among the groups gnomAD compares: Non-Finnish European, 0.0021%; no homozygotes.

Submission:

GeneDx
Classification: Uncertain significance. Last evaluated: 2024-02-02. Review status: criteria provided, single submitter. Criteria: GeneDx Variant Classification Process June 2021. Collection method: clinical testing. Allele origin: germline. Affected: yes.
Comment: Not observed at significant frequency in large population cohorts (gnomAD); In silico analysis supports that this missense variant has a deleterious effect on protein structure/function; Has not been previously published as pathogenic or benign to our knowledge

NM_019098.5(CNGB3):c.981G>C (p.Arg327Ser)

Gene: CNGB3 (cyclic nucleotide gated channel subunit beta 3; minus strand). Cytogenetic location: 8q21.3.
Variant type: single nucleotide variant.
Coding change: c.981G>C on transcript NM_019098.5 (MANE Select); coding-DNA position 981, G replaced by C.
Protein change: p.Arg327Ser; replaces arginine 327 with serine.
Molecular consequence: missense variant.
Genome position (GRCh38, 1-based): chr8:86,647,810, C>G on the plus strand (G>C on the coding strand, the complement: CNGB3 is on the minus strand). VCF-style: chr8-86647810-C-G. GRCh37 (hg19) VCF-style: chr8-87660038-C-G.
Other names: short protein forms R327S.
Identifiers: ClinVar variation 3367562 (VCV003367562.1).